The following is an entry in ClinVar:

ClinVar aggregate classification (germline): Uncertain significance. Review status: criteria provided, multiple submitters, no conflicts (2 of 4 stars). 2 submissions from 2 submitters: Uncertain significance (2). Last evaluated 2025-09-05.

Conditions:
Charcot-Marie-Tooth disease type 2. Also called: Charcot-Marie-Tooth type 2. Identifiers: Orphanet 64746, MedGen C0270914, MONDO:0018993.

Allele frequency attached by ClinVar (database versions not stated): gnomAD exomes below 0.00001.
gnomAD v4.1: 1 of 1,614,106 alleles (0.000062%); highest among the groups gnomAD compares: Non-Finnish European, 0.000085%; no homozygotes.

Submissions (2):

Labcorp Genetics (formerly Invitae), Labcorp
Classification: Uncertain significance for Charcot-Marie-Tooth disease type 2. Last evaluated: 2025-09-05. Review status: criteria provided, single submitter. Criteria: Invitae Variant Classification Sherloc (09022015). Collection method: clinical testing. Allele origin: germline.
Comment: This sequence change replaces serine, which is neutral and polar, with phenylalanine, which is neutral and non-polar, at codon 754 of the KIF1B protein (p.Ser754Phe). This variant is not present in population databases (gnomAD no frequency). This variant has not been reported in the literature in individuals affected with KIF1B-related conditions. ClinVar contains an entry for this variant (Variation ID: 2448111). Invitae Evidence Modeling of protein sequence and biophysical properties (such as structural, functional, and spatial information, amino acid conservation, physicochemical variation, residue mobility, and thermodynamic stability) has been performed for this missense variant. However, the output from this modeling did not meet the statistical confidence thresholds required to predict the impact of this variant on KIF1B protein function. In summary, the available evidence is currently insufficient to determine the role of this variant in disease. Therefore, it has been classified as a Variant of Uncertain Significance.

Ambry Genetics
Classification: Uncertain significance. Last evaluated: 2025-05-27. Review status: criteria provided, single submitter. Criteria: Ambry Variant Classification Scheme 2023. Collection method: clinical testing. Allele origin: germline.
Comment: The p.S754F variant (also known as c.2261C>T), located in coding exon 22 of the KIF1B gene, results from a C to T substitution at nucleotide position 2261. The serine at codon 754 is replaced by phenylalanine, an amino acid with highly dissimilar properties. This amino acid position is conserved. In addition, this alteration is predicted to be deleterious by in silico analysis. Since supporting evidence is limited at this time, the clinical significance of this alteration remains unclear.

NM_001365951.3(KIF1B):c.2399C>T (p.Ser800Phe)

Gene: KIF1B (kinesin family member 1B; plus strand). Cytogenetic location: 1p36.22.
Variant type: single nucleotide variant.
Coding change: c.2399C>T on transcript NM_001365951.3 (MANE Select); coding-DNA position 2399, C replaced by T.
Protein change: p.Ser800Phe; replaces serine 800 with phenylalanine.
Molecular consequence: missense variant.
Genome position (GRCh38, 1-based): chr1:10,323,924, C>T. VCF-style: chr1-10323924-C-T. GRCh37 (hg19) VCF-style: chr1-10383982-C-T.
Other names: c.2399C>T, p.Ser800Phe (NM_001365952.1); c.2261C>T, p.Ser754Phe (NM_015074.3); short protein forms S754F, S800F.
Identifiers: ClinVar variation 2448111 (VCV002448111.6), dbSNP rs1651619501, ClinGen allele CA338334451.
Genomic context (GRCh38, chr1:10,323,924, plus strand): 5'-GGTTTATTCTTTCTATTCAGGTGCAGTTTCAGTTTGTTCTGCTGACTGACACACTGTACT[C>T]CCCTTTGCCTCCTGAATTACTTCCCACTGAGATGGAAAAAACTCATGAGGACAGGCCTTT-3'
Protein context (NP_001352880.1, residues 790-810): QFVLLTDTLY[Ser800Phe]PLPPELLPTE